The following is an entry in ClinVar:

ClinVar aggregate classification (germline): Uncertain significance (1 of 4 stars; one submission).

Allele frequency attached by ClinVar (database versions not stated): ExAC 0.00001; gnomAD 0.00001; gnomAD exomes 0.00001; TOPMed 0.00006.
gnomAD v4.1: 7 of 1,613,730 alleles (0.00043%); highest among the groups gnomAD compares: Admixed American, 0.0067%; no homozygotes.

Submission:

Labcorp Genetics (formerly Invitae), Labcorp
Classification: Uncertain significance. Last evaluated: 2025-11-05. Review status: criteria provided, single submitter. Criteria: Invitae Variant Classification Sherloc (09022015). Collection method: clinical testing. Allele origin: germline.
Comment: This sequence change replaces proline, which is neutral and non-polar, with alanine, which is neutral and non-polar, at codon 484 of the ALPK3 protein (p.Pro484Ala). This variant is present in population databases (rs764493873, gnomAD 0.003%). This variant has not been reported in the literature in individuals affected with ALPK3-related conditions. ClinVar contains an entry for this variant (Variation ID: 2190839). Invitae Evidence Modeling of protein sequence and biophysical properties (such as structural, functional, and spatial information, amino acid conservation, physicochemical variation, residue mobility, and thermodynamic stability) indicates that this missense variant is expected to disrupt ALPK3 protein function with a positive predictive value of 80%. In summary, the available evidence is currently insufficient to determine the role of this variant in disease. Therefore, it has been classified as a Variant of Uncertain Significance.

NM_020778.5(ALPK3):c.844C>G (p.Pro282Ala)

Gene: ALPK3 (alpha kinase 3; plus strand). Cytogenetic location: 15q25.3.
Variant type: single nucleotide variant.
Coding change: c.844C>G on transcript NM_020778.5 (MANE Select); coding-DNA position 844, C replaced by G.
Protein change: p.Pro282Ala; replaces proline 282 with alanine.
Molecular consequence: missense variant.
Genome position (GRCh38, 1-based): chr15:84,840,123, C>G. VCF-style: chr15-84840123-C-G. GRCh37 (hg19) VCF-style: chr15-85383354-C-G.
Other names: short protein forms P282A.
Identifiers: ClinVar variation 2190839 (VCV002190839.4), dbSNP rs764493873, ClinGen allele CA7709082.